The following is an entry in ClinVar:

NM_000291.4(PGK1):c.1234G>A (p.Asp412Asn)

Gene: PGK1 (phosphoglycerate kinase 1; plus strand). Cytogenetic location: Xq21.1.
Variant type: single nucleotide variant.
Coding change: c.1234G>A on transcript NM_000291.4 (MANE Select); coding-DNA position 1234, G replaced by A.
Protein change: p.Asp412Asn; replaces aspartic acid 412 with asparagine.
Molecular consequence: missense variant.
Genome position (GRCh38, 1-based): chrX:78,125,810, G>A. VCF-style: chrX-78125810-G-A. GRCh37 (hg19) VCF-style: chrX-77381307-G-A.
Other names: short protein forms D412N.
Identifiers: ClinVar variation 493535 (VCV000493535.53), dbSNP rs782165735, ClinGen allele CA10459859.

ClinVar aggregate classification (germline): Conflicting classifications of pathogenicity. Review status: criteria provided, conflicting classifications (1 of 4 stars). 5 submissions from 5 submitters: Uncertain significance (2); Benign (1); Likely benign (2). Last evaluated 2025-12-20.

Conditions:
Glycogen storage disease due to phosphoglycerate kinase 1 deficiency. Also called: PGK1 DEFICIENCY; PHOSPHOGLYCERATE KINASE 1 DEFICIENCY WITH LEVO-DOPA-RESPONSIVE PARKINSONISM. Identifiers: Orphanet 713, MedGen C1970848, MONDO:0010392, OMIM 300653.

Allele frequency attached by ClinVar (database versions not stated): gnomAD exomes 0.00004 and 0.00009; ExAC 0.00005; gnomAD 0.00006; TOPMed 0.00006.
gnomAD v4.1: 113 of 1,201,765 alleles (0.0094%); highest among the groups gnomAD compares: Middle Eastern, 0.12%; no homozygotes.

Submissions (5):

Labcorp Genetics (formerly Invitae), Labcorp
Classification: Benign. Last evaluated: 2025-12-20. Review status: criteria provided, single submitter. Criteria: Invitae Variant Classification Sherloc (09022015). Collection method: clinical testing. Allele origin: germline.

Blueprint Genetics
Classification: Likely benign. Last evaluated: 2024-09-30. Review status: criteria provided, single submitter. Criteria: ACMG Guidelines, 2015. Collection method: clinical testing. Allele origin: germline.

CeGaT Center for Human Genetics Tuebingen
Classification: Likely benign. Last evaluated: 2024-01-01. Review status: criteria provided, single submitter. Criteria: CeGaT Center For Human Genetics Tuebingen Variant Classification Criteria Version 2. Collection method: clinical testing. Allele origin: germline. Affected: yes. Observed: 4 variant alleles.
Comment: PGK1: BS2

Revvity Omics, Revvity
Classification: Uncertain significance for Glycogen storage disease due to phosphoglycerate kinase 1 deficiency. Last evaluated: 2023-08-29. Review status: criteria provided, single submitter. Criteria: ACMG Guidelines, 2015. Collection method: clinical testing. Allele origin: germline.

Fulgent Genetics
Classification: Uncertain significance for Glycogen storage disease due to phosphoglycerate kinase 1 deficiency. Last evaluated: 2018-10-31. Review status: criteria provided, single submitter. Criteria: ACMG Guidelines, 2015. Collection method: clinical testing. Allele origin: unknown.